The following is an entry in ClinVar:

NM_001378454.1(ALMS1):c.710A>G (p.Glu237Gly)

Gene: ALMS1 (ALMS1 centrosome and basal body associated protein; plus strand). Cytogenetic location: 2p13.1.
Variant type: single nucleotide variant.
Coding change: c.710A>G on transcript NM_001378454.1 (MANE Select); coding-DNA position 710, A replaced by G.
Protein change: p.Glu237Gly; replaces glutamic acid 237 with glycine.
Molecular consequence: missense variant.
Genome position (GRCh38, 1-based): chr2:73,422,920, A>G. VCF-style: chr2-73422920-A-G. GRCh37 (hg19) VCF-style: chr2-73650048-A-G.
Other names: c.713A>G, p.Glu238Gly (NM_015120.4); short protein forms E237G, E238G.
Identifiers: ClinVar variation 1511001 (VCV001511001.5), dbSNP rs2103710589, ClinGen allele CA347260141.

ClinVar aggregate classification (germline): Uncertain significance. Review status: criteria provided, multiple submitters, no conflicts (2 of 4 stars). 2 submissions from 2 submitters: Uncertain significance (2). Last evaluated 2025-03-26.

Conditions:
Cardiovascular phenotype. Identifiers: MedGen CN230736.
Alstrom syndrome (ALMS). Identifiers: Orphanet 64, MedGen C0268425, MONDO:0008763, OMIM 203800.

Submissions (2):

Labcorp Genetics (formerly Invitae), Labcorp
Classification: Uncertain significance for Alstrom syndrome. Last evaluated: 2025-03-26. Review status: criteria provided, single submitter. Criteria: Invitae Variant Classification Sherloc (09022015). Collection method: clinical testing. Allele origin: germline.
Comment: This sequence change replaces glutamic acid, which is acidic and polar, with glycine, which is neutral and non-polar, at codon 238 of the ALMS1 protein (p.Glu238Gly). This variant is not present in population databases (gnomAD no frequency). This variant has not been reported in the literature in individuals affected with ALMS1-related conditions. ClinVar contains an entry for this variant (Variation ID: 1511001). Experimental studies and prediction algorithms are not available or were not evaluated, and the functional significance of this variant is currently unknown. In summary, the available evidence is currently insufficient to determine the role of this variant in disease. Therefore, it has been classified as a Variant of Uncertain Significance.

Ambry Genetics
Classification: Uncertain significance for Cardiovascular phenotype. Last evaluated: 2024-07-19. Review status: criteria provided, single submitter. Criteria: Ambry Variant Classification Scheme 2023. Collection method: clinical testing. Allele origin: germline.
Comment: The p.E238G variant (also known as c.713A>G), located in coding exon 4 of the ALMS1 gene, results from an A to G substitution at nucleotide position 713. The glutamic acid at codon 238 is replaced by glycine, an amino acid with similar properties. This amino acid position is well conserved in available vertebrate species. In addition, the in silico prediction for this alteration is inconclusive. Based on the available evidence, the clinical significance of this variant remains unclear.